The following is an entry in ClinVar:

ClinVar aggregate classification (germline): Pathogenic (1 of 4 stars; one submission).

Conditions:
Hereditary cancer-predisposing syndrome. Also called: Neoplastic Syndromes, Hereditary; Tumor predisposition; Hereditary neoplastic syndrome; Hereditary Cancer Syndrome. Identifiers: Orphanet 140162, MedGen C0027672, MeSH D009386, MONDO:0015356.

Submission:

Ambry Genetics
Classification: Pathogenic for Hereditary cancer-predisposing syndrome. Last evaluated: 2023-01-25. Review status: criteria provided, single submitter. Criteria: Ambry Variant Classification Scheme 2023. Collection method: clinical testing. Allele origin: germline.
Comment: The c.2813delC pathogenic mutation, located in coding exon 10 of the BRCA2 gene, results from a deletion of one nucleotide at nucleotide position 2813, causing a translational frameshift with a predicted alternate stop codon (p.A938Efs*22). This variant is considered to be rare based on population cohorts in the Genome Aggregation Database (gnomAD). This alteration is expected to result in loss of function by premature protein truncation or nonsense-mediated mRNA decay. As such, this alteration is interpreted as a disease-causing mutation.

NM_000059.4(BRCA2):c.2813del (p.Ala938fs)

Gene: BRCA2 (BRCA2 DNA repair associated; plus strand). Cytogenetic location: 13q13.1.
Variant type: Deletion.
Coding change: c.2813del on transcript NM_000059.4 (MANE Select); coding-DNA position 2813, one base deleted (C; older notation c.2813delC).
Protein change: p.Ala938fs; shifts the reading frame from alanine 938.
Molecular consequence: frameshift variant. On other transcripts: non-coding transcript variant (1), intron variant (2).
Genome position (GRCh38, 1-based): chr13:32,337,168, C deleted. VCF-style (leftmost placement, unchanged base first): chr13-32337167-GC-G. GRCh37 (hg19) VCF-style: chr13-32911304-GC-G.
Other names: c.2813del, p.Ala938fs (NM_001406719.1, NM_001406720.1); c.1909+3781del (NM_001406721.1); c.424+6138del (NM_001406722.1); short protein forms A938fs.
Identifiers: ClinVar variation 2451532 (VCV002451532.2), dbSNP rs2548524697, ClinGen allele CA2580087299.